The following is an entry in ClinVar:

ClinVar aggregate classification (germline): Benign/Likely benign. Review status: criteria provided, multiple submitters, no conflicts (2 of 4 stars). 2 submissions from 2 submitters: Benign (1); Likely benign (1). Last evaluated 2025-12-22.

Conditions:
Hereditary cancer-predisposing syndrome. Also called: Hereditary neoplastic syndrome; Tumor predisposition; Neoplastic Syndromes, Hereditary; Hereditary Cancer Syndrome. Identifiers: Orphanet 140162, MedGen C0027672, MeSH D009386, MONDO:0015356.
Juvenile polyposis syndrome (JPS). Identifiers: Orphanet 2929, MedGen C0345893, MONDO:0017380, OMIM 174900.

gnomAD v4.1: 1 of 1,614,112 alleles (0.000062%); highest among the groups gnomAD compares: African/African-American, 0.0013%; no homozygotes.

Submissions (2):

Ambry Genetics
Classification: Likely benign for Hereditary cancer-predisposing syndrome. Last evaluated: 2025-12-22. Review status: criteria provided, single submitter. Criteria: Ambry Variant Classification Scheme 2023. Collection method: clinical testing. Allele origin: germline.

Myriad Genetics, Inc.
Classification: Benign for Juvenile polyposis syndrome. Last evaluated: 2024-08-01. Review status: criteria provided, single submitter. Criteria: Myriad Autosomal Dominant, Autosomal Recessive and X-Linked Classification Criteria (2023). Collection method: clinical testing. Allele origin: unknown.
Comment: This variant is considered benign. This variant is a silent/synonymous amino acid change and it is not expected to impact splicing.

NM_004329.3(BMPR1A):c.462G>C (p.Leu154=)

Gene: BMPR1A (bone morphogenetic protein receptor type 1A; plus strand). Cytogenetic location: 10q23.2.
Variant type: single nucleotide variant.
Coding change: c.462G>C on transcript NM_004329.3 (MANE Select); coding-DNA position 462, G replaced by C.
Protein change: p.Leu154=; no amino-acid change (leucine 154 retained).
Molecular consequence: synonymous variant. On other transcripts: non-coding transcript variant (3), intron variant (1).
Genome position (GRCh38, 1-based): chr10:86,900,058, G>C. VCF-style: chr10-86900058-G-C. GRCh37 (hg19) VCF-style: chr10-88659815-G-C.
Other names: c.462G>C, p.Leu154= (NM_001406559.1, NM_001406560.1, NM_001406561.1 and 22 more transcripts); c.378G>C, p.Leu126= (NM_001406584.1, NM_001406585.1, NM_001406586.1 and 2 more transcripts); c.333+7829G>C (NM_001406589.1).
Identifiers: ClinVar variation 3378807 (VCV003378807.2).
Genomic context (GRCh38, chr10:86,900,058, plus strand): 5'-TTGTTTACATTGTTTACTTTTATTGTCAGGTCCGTTTTTTGATGGCAGCATTCGATGGCT[G>C]GTTTTGCTCATTTCTATGGCTGTCTGCATAATTGCTATGATCATCTTCTCCAGCTGCTTT-3'
Protein context (NP_004320.2, residues 144-164): GPFFDGSIRW[Leu154=]VLLISMAVCI